The following is an entry in ClinVar:

ClinVar aggregate classification (germline): Benign (0 of 4 stars; one submission).

Conditions:
FKBP6-related disorder. Also called: FKBP6-related condition.

Allele frequency attached by ClinVar (database versions not stated): gnomAD exomes 0.00084; ExAC 0.00262; ESP Exome Variant Server 0.00858; gnomAD 0.00906; TOPMed 0.01031; 1000 Genomes Project 0.01058; 1000 Genomes Project 30x 0.01109.

Submission:

PreventionGenetics, part of Exact Sciences
Classification: Benign for FKBP6-related condition. Last evaluated: 2019-05-01. Review status: no assertion criteria provided. Collection method: clinical testing. Allele origin: germline.
Comment: This variant is classified as benign based on ACMG/AMP sequence variant interpretation guidelines (Richards et al. 2015 PMID: 25741868, with internal and published modifications).

NM_003602.5(FKBP6):c.605G>A (p.Arg202His)

Gene: FKBP6 (FKBP prolyl isomerase family member 6 (inactive); plus strand). Cytogenetic location: 7q11.23.
Variant type: single nucleotide variant.
Coding change: c.605G>A on transcript NM_003602.5 (MANE Select); coding-DNA position 605, G replaced by A.
Protein change: p.Arg202His; replaces arginine 202 with histidine.
Molecular consequence: missense variant.
Genome position (GRCh38, 1-based): chr7:73,340,654, G>A. VCF-style: chr7-73340654-G-A. GRCh37 (hg19) VCF-style: chr7-72754656-G-A.
Other names: c.590G>A, p.Arg197His (NM_001135211.3); c.515G>A, p.Arg172His (NM_001281304.2); c.470G>A, p.Arg157His (NM_001362789.2); short protein forms R157H, R172H, R197H, R202H.
Identifiers: ClinVar variation 3057196 (VCV003057196.2), dbSNP rs142831087, ClinGen allele CA4286754.